The following is an entry in ClinVar:

NM_001365951.3(KIF1B):c.4599C>G (p.Ser1533Arg)

Gene: KIF1B (kinesin family member 1B; plus strand). Cytogenetic location: 1p36.22.
Variant type: single nucleotide variant.
Coding change: c.4599C>G on transcript NM_001365951.3 (MANE Select); coding-DNA position 4599, C replaced by G.
Protein change: p.Ser1533Arg; replaces serine 1533 with arginine.
Molecular consequence: missense variant.
Genome position (GRCh38, 1-based): chr1:10,365,495, C>G. VCF-style: chr1-10365495-C-G. GRCh37 (hg19) VCF-style: chr1-10425553-C-G.
Other names: c.4599C>G, p.Ser1533Arg (NM_001365952.1); c.4461C>G, p.Ser1487Arg (NM_015074.3); short protein forms S1487R, S1533R.
Identifiers: ClinVar variation 2625681 (VCV002625681.2), dbSNP rs1222798691, ClinGen allele CA338322014.

ClinVar aggregate classification (germline): Uncertain significance (1 of 4 stars; one submission).

Submission:

Ambry Genetics
Classification: Uncertain significance. Last evaluated: 2023-06-17. Review status: criteria provided, single submitter. Criteria: Ambry Variant Classification Scheme 2023. Collection method: clinical testing. Allele origin: germline.
Comment: The p.S1487R variant (also known as c.4461C>G), located in coding exon 40 of the KIF1B gene, results from a C to G substitution at nucleotide position 4461. The serine at codon 1487 is replaced by arginine, an amino acid with dissimilar properties. This amino acid position is conserved. In addition, the in silico prediction for this alteration is inconclusive. Since supporting evidence is limited at this time, the clinical significance of this alteration remains unclear.